The following is an entry in ClinVar:

NM_033380.3(COL4A5):c.4417C>T (p.His1473Tyr)

Gene: COL4A5 (collagen type IV alpha 5 chain; plus strand). Cytogenetic location: Xq22.3.
Variant type: single nucleotide variant.
Coding change: c.4417C>T on transcript NM_033380.3 (MANE Select); coding-DNA position 4417, C replaced by T.
Protein change: p.His1473Tyr; replaces histidine 1473 with tyrosine.
Molecular consequence: missense variant.
Genome position (GRCh38, 1-based): chrX:108,687,583, C>T. VCF-style: chrX-108687583-C-T. GRCh37 (hg19) VCF-style: chrX-107930813-C-T.
Other names: c.4399C>T, p.His1467Tyr (NM_000495.5); short protein forms H1467Y, H1473Y.
Identifiers: ClinVar variation 2444414 (VCV002444414.1), dbSNP rs2524632494, ClinGen allele CA413854265.

ClinVar aggregate classification (germline): Uncertain significance (1 of 4 stars; one submission).

Conditions:
X-linked Alport syndrome (ATS1). Also called: NEPHROPATHY AND DEAFNESS, X-LINKED; COL4A5-Related Nephropathy. Identifiers: Orphanet 63, Orphanet 88917, MedGen C4746986, MONDO:0010520, OMIM 301050.

Submission:

3billion
Classification: Uncertain significance for X-linked Alport syndrome. Last evaluated: 2023-02-23. Review status: criteria provided, single submitter. Criteria: ACMG Guidelines, 2015. Collection method: clinical testing. Allele origin: unknown. Affected: yes.
Comment: The variant is not observed in the gnomAD v2.1.1 dataset. Missense changes are a common disease-causing mechanism. In silico tool predictions suggest damaging effect of the variant on gene or gene product (REVEL: 0.97). Therefore, this variant is classified as VUS according to the recommendation of ACMG/AMP guideline.